The following is an entry in ClinVar:

ClinVar aggregate classification (germline): Uncertain significance. Review status: criteria provided, multiple submitters, no conflicts (2 of 4 stars). 2 submissions from 2 submitters: Uncertain significance (2). Last evaluated 2025-01-15.

Conditions:
Usher syndrome type 1C. Also called: USHER SYNDROME, TYPE I, ACADIAN VARIETY. Identifiers: Orphanet 231169, Orphanet 886, MedGen C1848604, MONDO:0010171, OMIM 276904.
Autosomal recessive nonsyndromic hearing loss 18A. Also called: Deafness, autosomal recessive 18A; DEAFNESS, AUTOSOMAL RECESSIVE 18. Identifiers: Orphanet 90636, MedGen C1865870, MONDO:0011192, OMIM 602092.

Submissions (2):

GeneDx
Classification: Uncertain significance. Last evaluated: 2025-01-15. Review status: criteria provided, single submitter. Criteria: GeneDx Variant Classification Process June 2021. Collection method: clinical testing. Allele origin: germline. Affected: yes.
Comment: In silico analysis supports a deleterious effect on protein structure/function; Has not been previously published as pathogenic or benign to our knowledge

Labcorp Genetics (formerly Invitae), Labcorp
Classification: Uncertain significance. Last evaluated: 2024-12-12. Review status: criteria provided, single submitter. Criteria: Invitae Variant Classification Sherloc (09022015). Collection method: clinical testing. Allele origin: germline.
Comment: This sequence change replaces proline, which is neutral and non-polar, with leucine, which is neutral and non-polar, at codon 396 of the USH1C protein (p.Pro396Leu). This variant is present in population databases (no rsID available, gnomAD 0.007%). This variant has not been reported in the literature in individuals affected with USH1C-related conditions. ClinVar contains an entry for this variant (Variation ID: 2164185). An algorithm developed to predict the effect of missense changes on protein structure and function (PolyPhen-2) suggests that this variant is likely to be tolerated. In summary, the available evidence is currently insufficient to determine the role of this variant in disease. Therefore, it has been classified as a Variant of Uncertain Significance.

NM_153676.4(USH1C):c.1187_1188inv (p.Pro396Leu)

Gene: USH1C (USH1 protein network component harmonin; minus strand). Cytogenetic location: 11p15.1.
Variant type: Inversion.
Coding change: c.1187_1188inv on transcript NM_153676.4 (MANE Select).
Protein change: p.Pro396Leu; replaces proline 396 with leucine.
Molecular consequence: missense variant. On other transcripts: non-coding transcript variant (1).
Genome position: GRCh38 VCF-style: chr11-17520892-TG-CA. GRCh37 (hg19) VCF-style: chr11-17542439-TG-CA.
Other names: c.1130_1131inv, p.Pro377Leu (NM_001297764.2); c.1187_1188inv, p.Pro396Leu (NM_005709.4); c.1187_1188delinsTG (NM_005709.3); short protein forms P396L, P377L.
Identifiers: ClinVar variation 2164185 (VCV002164185.5), ClinGen allele CA2580082764.